The following is an entry in ClinVar:

NM_000093.5(COL5A1):c.1052C>A (p.Pro351Gln)

Gene: COL5A1 (collagen type V alpha 1 chain; plus strand). Cytogenetic location: 9q34.3.
Variant type: single nucleotide variant.
Coding change: c.1052C>A on transcript NM_000093.5 (MANE Select); coding-DNA position 1052, C replaced by A.
Protein change: p.Pro351Gln; replaces proline 351 with glutamine.
Molecular consequence: missense variant.
Genome position (GRCh38, 1-based): chr9:134,730,363, C>A. VCF-style: chr9-134730363-C-A. GRCh37 (hg19) VCF-style: chr9-137622209-C-A.
Other names: c.1052C>A, p.Pro351Gln (NM_001278074.1); c.1052C>A (NM_000093.3); short protein forms P351Q.
Identifiers: ClinVar variation 575918 (VCV000575918.13), dbSNP rs887190843, ClinGen allele CA375449731.

ClinVar aggregate classification (germline): Conflicting classifications of pathogenicity. Review status: criteria provided, conflicting classifications (1 of 4 stars). 4 submissions from 4 submitters: Uncertain significance (3); Benign (1). Last evaluated 2026-01-12.

Conditions:
COL5A1-related disorder. Also called: COL5A1-related condition.
Ehlers-Danlos syndrome, classic type, 1 (EDSCL1). Also called: Ehlers-Danlos Syndrome, Classic Type, COL5A1-Related; EDS I; Ehlers-Danlos syndrome, type 1; EHLERS-DANLOS SYNDROME, GRAVIS TYPE; EHLERS-DANLOS SYNDROME, SEVERE CLASSIC TYPE. Identifiers: MedGen C0268335, MONDO:0019567, OMIM 130000.

Allele frequency attached by ClinVar (database versions not stated): TOPMed 0.00002.
gnomAD v4.1: 51 of 1,614,084 alleles (0.0032%); highest among the groups gnomAD compares: Non-Finnish European, 0.0041%; no homozygotes.

Submissions (4):

PreventionGenetics, part of Exact Sciences
Classification: Uncertain significance for COL5A1-related condition. Last evaluated: 2026-01-12. Review status: criteria provided, single submitter. Criteria: ACMG Guidelines, 2015. Collection method: clinical testing. Allele origin: germline.
Comment: The COL5A1 c.1052C>A variant is predicted to result in the amino acid substitution p.Pro351Gln. To our knowledge, this variant has not been reported in the literature. This variant is reported in 0.0053% of alleles in individuals of European (Non-Finnish) descent in gnomAD. At this time, the clinical significance of this variant is uncertain due to the absence of conclusive functional and genetic evidence.

Labcorp Genetics (formerly Invitae), Labcorp
Classification: Benign for Ehlers-Danlos syndrome, classic type, 1. Last evaluated: 2025-04-23. Review status: criteria provided, single submitter. Criteria: Invitae Variant Classification Sherloc (09022015). Collection method: clinical testing. Allele origin: germline.

GeneDx
Classification: Uncertain significance. Last evaluated: 2023-11-09. Review status: criteria provided, single submitter. Criteria: GeneDx Variant Classification Process June 2021. Collection method: clinical testing. Allele origin: germline.
Comment: Has not been previously published as pathogenic or benign to our knowledge; In silico analysis supports that this missense variant does not alter protein structure/function; Not located in the triple helical region, where the majority of pathogenic missense variants occur (HGMD, PMID: 22696272); This variant is associated with the following publications: (PMID: 22696272)

New York Genome Center
Classification: Uncertain significance for Ehlers-Danlos syndrome, classic type, 1. Last evaluated: 2023-07-17. Review status: criteria provided, single submitter. Criteria: NYGC Assertion Criteria 2020. Collection method: clinical testing. Allele origin: germline. Observed: 1 heterozygote.